The following is an entry in ClinVar:

ClinVar aggregate classification (germline): Likely benign (1 of 4 stars; one submission).

Allele frequency attached by ClinVar (database versions not stated): gnomAD exomes below 0.00001.
gnomAD v4.1: 2 of 1,614,146 alleles (0.00012%); highest among the groups gnomAD compares: Non-Finnish European, 0.00017%; no homozygotes.

Submission:

CeGaT Center for Human Genetics Tuebingen
Classification: Likely benign. Last evaluated: 2023-02-01. Review status: criteria provided, single submitter. Criteria: CeGaT Center For Human Genetics Tuebingen Variant Classification Criteria Version 2. Collection method: clinical testing. Allele origin: germline. Affected: yes. Observed: 1 variant allele.
Comment: BACH2: PM2:Supporting, BP4, BP7

NM_021813.4(BACH2):c.1629T>C (p.Cys543=)

Gene: BACH2 (BACH transcriptional regulator 2; minus strand). Cytogenetic location: 6q15.
Variant type: single nucleotide variant.
Coding change: c.1629T>C on transcript NM_021813.4 (MANE Select); coding-DNA position 1629, T replaced by C.
Protein change: p.Cys543=; no amino-acid change (cysteine 543 retained).
Molecular consequence: synonymous variant.
Genome position (GRCh38, 1-based): chr6:89,950,477, A>G on the plus strand (T>C on the coding strand, the complement: BACH2 is on the minus strand). VCF-style: chr6-89950477-A-G. GRCh37 (hg19) VCF-style: chr6-90660196-A-G.
Other names: c.1629T>C, p.Cys543= (NM_001170794.2).
Identifiers: ClinVar variation 2656772 (VCV002656772.24), dbSNP rs2533564769, ClinGen allele CA451356528.